The following is an entry in ClinVar:

NM_002458.3(MUC5B):c.16104C>T (p.Cys5368=)

Gene: MUC5B (mucin 5B, oligomeric mucus/gel-forming; plus strand). Cytogenetic location: 11p15.5.
Variant type: single nucleotide variant.
Coding change: c.16104C>T on transcript NM_002458.3 (MANE Select); coding-DNA position 16104, C replaced by T.
Protein change: p.Cys5368=; no amino-acid change (cysteine 5368 retained).
Molecular consequence: synonymous variant.
Genome position (GRCh38, 1-based): chr11:1,256,193, C>T. VCF-style: chr11-1256193-C-T. GRCh37 (hg19) VCF-style: chr11-1277423-C-T.
Identifiers: ClinVar variation 2641316 (VCV002641316.24), dbSNP rs185251493, ClinGen allele CA5809275.

ClinVar aggregate classification (germline): Likely benign (1 of 4 stars; one submission).

Allele frequency attached by ClinVar (database versions not stated): 1000 Genomes Project 30x 0.00016; 1000 Genomes Project 0.00020; gnomAD 0.00066; TOPMed 0.00072; ESP Exome Variant Server 0.00120; ExAC 0.00139.

Submission:

CeGaT Center for Human Genetics Tuebingen
Classification: Likely benign. Last evaluated: 2022-10-01. Review status: criteria provided, single submitter. Criteria: CeGaT Center For Human Genetics Tuebingen Variant Classification Criteria Version 2. Collection method: clinical testing. Allele origin: germline. Affected: yes. Observed: 1 variant allele.
Comment: MUC5B: BP4, BP7